The following is an entry in ClinVar:

ClinVar aggregate classification (germline): Uncertain significance (1 of 4 stars; one submission).

Conditions:
Inborn genetic diseases. Identifiers: MedGen C0950123, MeSH D030342.

Allele frequency attached by ClinVar (database versions not stated): gnomAD exomes below 0.00001; ExAC 0.00001; gnomAD 0.00001; TOPMed 0.00001.
gnomAD v4.1: 2 of 1,614,122 alleles (0.00012%); highest among the groups gnomAD compares: Admixed American, 0.0033%; no homozygotes.

Submission:

Ambry Genetics
Classification: Uncertain significance for Inborn genetic diseases. Last evaluated: 2021-01-07. Review status: criteria provided, single submitter. Criteria: Ambry Variant Classification Scheme 2023. Collection method: clinical testing. Allele origin: germline.
Comment: The p.Q695H variant (also known as c.2085A>T), located in coding exon 11 of the SH3TC2 gene, results from an A to T substitution at nucleotide position 2085. The glutamine at codon 695 is replaced by histidine, an amino acid with highly similar properties. This amino acid position is not well conserved in available vertebrate species. In addition, this alteration is predicted to be tolerated by in silico analysis. Since supporting evidence is limited at this time, the clinical significance of this alteration remains unclear.

NM_024577.4(SH3TC2):c.2085A>T (p.Gln695His)

Gene: SH3TC2 (SH3 domain and tetratricopeptide repeats 2; minus strand). Cytogenetic location: 5q32.
Variant type: single nucleotide variant.
Coding change: c.2085A>T on transcript NM_024577.4 (MANE Select); coding-DNA position 2085, A replaced by T.
Protein change: p.Gln695His; replaces glutamine 695 with histidine.
Molecular consequence: missense variant.
Genome position (GRCh38, 1-based): chr5:149,027,647, T>A on the plus strand (A>T on the coding strand, the complement: SH3TC2 is on the minus strand). VCF-style: chr5-149027647-T-A. GRCh37 (hg19) VCF-style: chr5-148407210-T-A.
Other names: short protein forms Q695H.
Identifiers: ClinVar variation 1785623 (VCV001785623.2), dbSNP rs748171586, ClinGen allele CA3499063.